The following is an entry in ClinVar:

ClinVar aggregate classification (germline): Benign (1 of 4 stars; one submission).

Conditions:
Pheochromocytoma/paraganglioma syndrome 1. Also called: PARAGANGLIOMAS, FAMILIAL NONCHROMAFFIN, 1; PGL 1; Paragangliomas familial 1; PARAGANGLIOMATA; Paragangliomas 1; Glomus tumors familial 1. Identifiers: Orphanet 29072, MedGen C3494181, MONDO:0008192, OMIM 168000.

Submission:

Myriad Genetics, Inc.
Classification: Benign for Pheochromocytoma/paraganglioma syndrome 1. Last evaluated: 2025-03-17. Review status: criteria provided, single submitter. Criteria: Myriad Autosomal Dominant, Autosomal Recessive and X-Linked Classification Criteria (2023). Collection method: clinical testing. Allele origin: unknown.
Comment: This variant is considered benign. This variant is a silent/synonymous amino acid change and it is not expected to impact splicing.

NM_003002.4(SDHD):c.48C>G (p.Gly16=)

Genes: SDHD (succinate dehydrogenase complex subunit D; plus strand), LOC126861339 (BRD4-independent group 4 enhancer GRCh37_chr11:111957035-111958234; plus strand). Cytogenetic location: 11q23.1.
Variant type: single nucleotide variant.
Coding change: c.48C>G on transcript NM_003002.4 (MANE Select); coding-DNA position 48, C replaced by G.
Protein change: p.Gly16=; no amino-acid change (glycine 16 retained).
Molecular consequence: synonymous variant. On other transcripts: non-coding transcript variant (1).
Genome position (GRCh38, 1-based): chr11:112,086,955, C>G. VCF-style: chr11-112086955-C-G. GRCh37 (hg19) VCF-style: chr11-111957679-C-G.
Other names: c.48C>G, p.Gly16= (NM_001276503.2, NM_001276504.2, NM_001276506.2).
Identifiers: ClinVar variation 3904585 (VCV003904585.1).
Genomic context (GRCh38, chr11:112,086,955, plus strand): 5'-CCTCAGGAACGAGATGGCGGTTCTCTGGAGGCTGAGTGCCGTTTGCGGTGCCCTAGGAGG[C>G]CGAGGTGAGGGGTCTTCCCACCCTGAGGTGCTTAGCGTAGCCTCCAGCCAGGGAAGGGGA-3'
Protein context (NP_002993.1, residues 6-26): RLSAVCGALG[Gly16=]RALLLRTPVV